The following is an entry in ClinVar:

NM_003579.4(RAD54L):c.311G>T (p.Gly104Val)

Gene: RAD54L (RAD54 like; plus strand). Cytogenetic location: 1p34.1.
Variant type: single nucleotide variant.
Coding change: c.311G>T on transcript NM_003579.4 (MANE Select); coding-DNA position 311, G replaced by T.
Protein change: p.Gly104Val; replaces glycine 104 with valine.
Molecular consequence: missense variant. On other transcripts: 5 prime UTR variant (1).
Genome position (GRCh38, 1-based): chr1:46,260,003, G>T. VCF-style: chr1-46260003-G-T. GRCh37 (hg19) VCF-style: chr1-46725675-G-T.
Other names: c.311G>T, p.Gly104Val (NM_001142548.2); c.-230G>T (NM_001370766.1); short protein forms G104V.
Identifiers: ClinVar variation 3312456 (VCV003312456.1).
Genomic context (GRCh38, chr1:46,260,003, plus strand): 5'-GGAATGATTATTGGTTTGTAGGTCCTCTGGGCTCTCGAGCATTGGGCCTGAAAAGGGCTG[G>T]GGTCCGCCGGGCCCTCCATGACCCCCTGGAAAAAGATGCCTTGGTTCTGTATGAGCCTCC-3'
Protein context (NP_003570.2, residues 94-114): GSRALGLKRA[Gly104Val]VRRALHDPLE

ClinVar aggregate classification (germline): Uncertain significance (1 of 4 stars; one submission).

Submission:

Ambry Genetics
Classification: Uncertain significance. Last evaluated: 2024-04-10. Review status: criteria provided, single submitter. Criteria: Ambry Variant Classification Scheme 2023. Collection method: clinical testing. Allele origin: germline.
Comment: The p.G104V variant (also known as c.311G>T), located in coding exon 5 of the RAD54L gene, results from a G to T substitution at nucleotide position 311. The glycine at codon 104 is replaced by valine, an amino acid with dissimilar properties. This amino acid position is conserved. In addition, this alteration is predicted to be deleterious by in silico analysis. Based on the available evidence, the clinical significance of this variant remains unclear.